The following is an entry in ClinVar:

NM_001008537.3(NEXMIF):c.2648G>C (p.Ser883Thr)

Gene: NEXMIF (neurite extension and migration factor; minus strand). Cytogenetic location: Xq13.3.
Variant type: single nucleotide variant.
Coding change: c.2648G>C on transcript NM_001008537.3 (MANE Select); coding-DNA position 2648, G replaced by C.
Protein change: p.Ser883Thr; replaces serine 883 with threonine.
Molecular consequence: missense variant.
Genome position (GRCh38, 1-based): chrX:74,741,909, C>G on the plus strand (G>C on the coding strand, the complement: NEXMIF is on the minus strand). VCF-style: chrX-74741909-C-G. GRCh37 (hg19) VCF-style: chrX-73961744-C-G.
Other names: short protein forms S883T.
Identifiers: ClinVar variation 1461072 (VCV001461072.8), dbSNP rs1238438212, ClinGen allele CA413667749.

ClinVar aggregate classification (germline): Uncertain significance (1 of 4 stars; one submission).

Allele frequency attached by ClinVar (database versions not stated): TOPMed below 0.00001; gnomAD 0.00002.
gnomAD v4.1: 2 of 1,210,219 alleles (0.00017%); highest among the groups gnomAD compares: Admixed American, 0.0044%; no homozygotes.

Submission:

Labcorp Genetics (formerly Invitae), Labcorp
Classification: Uncertain significance. Last evaluated: 2025-10-16. Review status: criteria provided, single submitter. Criteria: Invitae Variant Classification Sherloc (09022015). Collection method: clinical testing. Allele origin: germline.
Comment: This sequence change replaces serine, which is neutral and polar, with threonine, which is neutral and polar, at codon 883 of the NEXMIF protein (p.Ser883Thr). This variant is present in population databases (no rsID available, gnomAD 0.2%). This variant has not been reported in the literature in individuals affected with NEXMIF-related conditions. ClinVar contains an entry for this variant (Variation ID: 1461072). An algorithm developed to predict the effect of missense changes on protein structure and function outputs the following: PolyPhen-2: "Benign". The threonine amino acid residue is found in multiple mammalian species, which suggests that this missense change does not adversely affect protein function. In summary, the available evidence is currently insufficient to determine the role of this variant in disease. Therefore, it has been classified as a Variant of Uncertain Significance.